The following is an entry in ClinVar:

NM_014550.4(CARD10):c.2112C>T (p.Ala704=)

Gene: CARD10 (caspase recruitment domain family member 10; minus strand). Cytogenetic location: 22q13.1.
Variant type: single nucleotide variant.
Coding change: c.2112C>T on transcript NM_014550.4 (MANE Select); coding-DNA position 2112, C replaced by T.
Protein change: p.Ala704=; no amino-acid change (alanine 704 retained).
Molecular consequence: synonymous variant.
Genome position (GRCh38, 1-based): chr22:37,495,951, G>A on the plus strand (C>T on the coding strand, the complement: CARD10 is on the minus strand). VCF-style: chr22-37495951-G-A. GRCh37 (hg19) VCF-style: chr22-37891958-G-A.
Identifiers: ClinVar variation 3050777 (VCV003050777.2), dbSNP rs148648878, ClinGen allele CA10219578.

ClinVar aggregate classification (germline): Likely benign (0 of 4 stars; one submission).

Conditions:
CARD10-related disorder. Also called: CARD10-related condition.

Allele frequency attached by ClinVar (database versions not stated): gnomAD 0.00022; TOPMed 0.00023; ExAC 0.00024; ESP Exome Variant Server 0.00038; gnomAD exomes 0.00052.
gnomAD v4.1: 790 of 1,614,030 alleles (0.049%); highest among the groups gnomAD compares: Non-Finnish European, 0.062%; no homozygotes.

Submission:

PreventionGenetics, part of Exact Sciences
Classification: Likely benign for CARD10-related condition. Last evaluated: 2019-07-23. Review status: no assertion criteria provided. Collection method: clinical testing. Allele origin: germline.
Comment: This variant is classified as likely benign based on ACMG/AMP sequence variant interpretation guidelines (Richards et al. 2015 PMID: 25741868, with internal and published modifications).